The following is an entry in ClinVar:

ClinVar aggregate classification (germline): Conflicting classifications of pathogenicity. Review status: criteria provided, conflicting classifications (1 of 4 stars). 4 submissions from 4 submitters: Uncertain significance (2); Likely benign (1). 1 of the submissions does not count toward it. Last evaluated 2025-04-01.

Conditions:
RAI1-related disorder. Also called: RAI1-related condition.
Inborn genetic diseases. Identifiers: MedGen C0950123, MeSH D030342.

Allele frequency attached by ClinVar (database versions not stated): gnomAD 0.00003.
gnomAD v4.1: 23 of 1,613,786 alleles (0.0014%); highest among the groups gnomAD compares: South Asian, 0.0055%; no homozygotes.

Submissions (4):

Ambry Genetics
Classification: Likely benign for Inborn genetic diseases. Last evaluated: 2025-04-01. Review status: criteria provided, single submitter. Criteria: Ambry Variant Classification Scheme 2023. Collection method: clinical testing. Allele origin: germline.

Labcorp Genetics (formerly Invitae), Labcorp
Classification: Uncertain significance. Last evaluated: 2024-09-10. Review status: criteria provided, single submitter. Criteria: Invitae Variant Classification Sherloc (09022015). Collection method: clinical testing. Allele origin: germline.
Comment: This sequence change replaces arginine, which is basic and polar, with glutamine, which is neutral and polar, at codon 1561 of the RAI1 protein (p.Arg1561Gln). This variant is present in population databases (rs755678482, gnomAD 0.006%). This variant has not been reported in the literature in individuals affected with RAI1-related conditions. ClinVar contains an entry for this variant (Variation ID: 436502). Invitae Evidence Modeling of protein sequence and biophysical properties (such as structural, functional, and spatial information, amino acid conservation, physicochemical variation, residue mobility, and thermodynamic stability) has been performed for this missense variant. However, the output from this modeling did not meet the statistical confidence thresholds required to predict the impact of this variant on RAI1 protein function. In summary, the available evidence is currently insufficient to determine the role of this variant in disease. Therefore, it has been classified as a Variant of Uncertain Significance.

Genetic Services Laboratory, University of Chicago
Classification: Uncertain significance. Last evaluated: 2016-06-30. Review status: criteria provided, single submitter. Criteria: ACMG Guidelines, 2015. Collection method: clinical testing. Allele origin: germline. Affected: no.

PreventionGenetics, part of Exact Sciences
Classification: Likely benign for RAI1-related condition. Last evaluated: 2024-01-12. Review status: no assertion criteria provided. Collection method: clinical testing. Allele origin: germline. Not counted in ClinVar's aggregate classification.
Comment: This variant is classified as likely benign based on ACMG/AMP sequence variant interpretation guidelines (Richards et al. 2015 PMID: 25741868, with internal and published modifications).

NM_030665.4(RAI1):c.4682G>A (p.Arg1561Gln)

Gene: RAI1 (retinoic acid induced 1; plus strand). Cytogenetic location: 17p11.2.
Variant type: single nucleotide variant.
Coding change: c.4682G>A on transcript NM_030665.4 (MANE Select); coding-DNA position 4682, G replaced by A.
Protein change: p.Arg1561Gln; replaces arginine 1561 with glutamine.
Molecular consequence: missense variant.
Genome position (GRCh38, 1-based): chr17:17,797,630, G>A. VCF-style: chr17-17797630-G-A. GRCh37 (hg19) VCF-style: chr17-17700944-G-A.
Other names: short protein forms R1561Q.
Identifiers: ClinVar variation 436502 (VCV000436502.15), dbSNP rs755678482, ClinGen allele CA8419006.
Genomic context (GRCh38, chr17:17,797,630, plus strand): 5'-CTCGGGGCCGGGCCAAGAACACCACCTCTTCACCCTGTAAGGGGCGTGCCAAGCGACGAC[G>A]ACAGCAGCAGGTGCTGCCCCTGGATCCCGCAGAGCCTGAAATCCGCCTCAAGTACATTTC-3'
Protein context (NP_109590.3, residues 1551-1571): SPCKGRAKRR[Arg1561Gln]QQQVLPLDPA